The following is an entry in ClinVar:

NM_000384.3(APOB):c.1691T>C (p.Met564Thr)

Gene: APOB (apolipoprotein B; minus strand). Cytogenetic location: 2p24.1.
Variant type: single nucleotide variant.
Coding change: c.1691T>C on transcript NM_000384.3 (MANE Select); coding-DNA position 1691, T replaced by C.
Protein change: p.Met564Thr; replaces methionine 564 with threonine.
Molecular consequence: missense variant.
Genome position (GRCh38, 1-based): chr2:21,028,465, A>G on the plus strand (T>C on the coding strand, the complement: APOB is on the minus strand). VCF-style: chr2-21028465-A-G. GRCh37 (hg19) VCF-style: chr2-21251337-A-G.
Other names: short protein forms M564T.
Identifiers: ClinVar variation 3307448 (VCV003307448.1).

ClinVar aggregate classification (germline): Uncertain significance (1 of 4 stars; one submission).

Conditions:
Cardiovascular phenotype. Identifiers: MedGen CN230736.

gnomAD v4.1: 1 of 1,614,122 alleles (0.000062%); highest among the groups gnomAD compares: Non-Finnish European, 0.000085%; no homozygotes.

Submission:

Ambry Genetics
Classification: Uncertain significance for Cardiovascular phenotype. Last evaluated: 2024-03-22. Review status: criteria provided, single submitter. Criteria: Ambry Variant Classification Scheme 2023. Collection method: clinical testing. Allele origin: germline.
Comment: The p.M564T variant (also known as c.1691T>C), located in coding exon 13 of the APOB gene, results from a T to C substitution at nucleotide position 1691. The methionine at codon 564 is replaced by threonine, an amino acid with similar properties. This amino acid position is conserved. In addition, this alteration is predicted to be tolerated by in silico analysis. Based on the available evidence, the clinical significance of this alteration remains unclear.